The following is an entry in ClinVar:

ClinVar aggregate classification (germline): Benign/Likely benign. Review status: criteria provided, multiple submitters, no conflicts (2 of 4 stars). 3 submissions from 3 submitters: Benign (1); Likely benign (2). Last evaluated 2026-07-09.

Conditions:
Hereditary cancer-predisposing syndrome. Also called: Hereditary Cancer Syndrome; Hereditary neoplastic syndrome; Neoplastic Syndromes, Hereditary; Tumor predisposition. Identifiers: Orphanet 140162, MedGen C0027672, MeSH D009386, MONDO:0015356.
Rhabdoid tumor predisposition syndrome 2 (RTPS2). Identifiers: Orphanet 231108, Orphanet 69077, MedGen C2750074, MONDO:0013224, OMIM 613325.

gnomAD v4.1: 2 of 1,602,030 alleles (0.00012%); highest among the groups gnomAD compares: Non-Finnish European, 0.00017%; no homozygotes.

Submissions (3):

Myriad Genetics, Inc.
Classification: Benign for Rhabdoid tumor predisposition syndrome 2. Last evaluated: 2026-07-09. Review status: criteria provided, single submitter. Criteria: Myriad Autosomal Dominant, Autosomal Recessive and X-Linked Classification Criteria (2023). Collection method: clinical testing. Allele origin: unknown.
Comment: This variant is considered benign. This variant is a silent/synonymous amino acid change and it is not expected to impact splicing.

Labcorp Genetics (formerly Invitae), Labcorp
Classification: Likely benign for Rhabdoid tumor predisposition syndrome 2. Last evaluated: 2023-09-01. Review status: criteria provided, single submitter. Criteria: Invitae Variant Classification Sherloc (09022015). Collection method: clinical testing. Allele origin: germline.

Ambry Genetics
Classification: Likely benign for Hereditary cancer-predisposing syndrome. Last evaluated: 2023-06-01. Review status: criteria provided, single submitter. Criteria: Ambry Variant Classification Scheme 2023. Collection method: clinical testing. Allele origin: germline.

NM_003072.5(SMARCA4):c.933T>A (p.Pro311=)

Gene: SMARCA4 (SWI/SNF related BAF chromatin remodeling complex subunit ATPase 4; plus strand). Cytogenetic location: 19p13.2.
Variant type: single nucleotide variant.
Coding change: c.933T>A on transcript NM_003072.5 (MANE Select); coding-DNA position 933, T replaced by A.
Protein change: p.Pro311=; no amino-acid change (proline 311 retained).
Molecular consequence: synonymous variant. On other transcripts: non-coding transcript variant (1).
Genome position (GRCh38, 1-based): chr19:10,987,739, T>A. VCF-style: chr19-10987739-T-A. GRCh37 (hg19) VCF-style: chr19-11098415-T-A.
Other names: c.933T>A, p.Pro311= (NM_001128844.3, NM_001128845.2, NM_001128846.2 and 5 more transcripts); c.933T>A (NM_001128849.1).
Identifiers: ClinVar variation 1148611 (VCV001148611.11), dbSNP rs1599967587, ClinGen allele CA505489650.